The following is an entry in ClinVar:

ClinVar aggregate classification (germline): Benign. Review status: reviewed by expert panel (3 of 4 stars). 9 submissions from 9 submitters: Benign (1). 8 of the submissions do not count toward it. Last evaluated 2017-04-18.

Conditions:
Noonan syndrome and Noonan-related syndrome. Identifiers: Orphanet 98733, MedGen C5681679, MONDO:0020297.
Cardiovascular phenotype. Identifiers: MedGen CN230736.
Noonan syndrome (NS). Also called: Noonan's syndrome. Identifiers: Orphanet 648, MedGen C0028326, MeSH D009634, MONDO:0018997. Disease mechanism: gain of function.
Noonan syndrome with multiple lentigines. Identifiers: Orphanet 500, MedGen C0175704, MONDO:0007893.
RASopathy. Also called: Noonan spectrum disorder; rasopathies. Identifiers: MedGen C5555857, MONDO:0021060, Orphanet 536391.

Allele frequency attached by ClinVar (database versions not stated): gnomAD 0.00001 and 0.00008; TOPMed 0.00002; gnomAD exomes 0.00016 and 0.00028; ExAC 0.00030; 1000 Genomes Project 30x 0.00047; 1000 Genomes Project 0.00060.
gnomAD v4.1: 249 of 1,614,126 alleles (0.015%); highest among the groups gnomAD compares: South Asian, 0.25%; 4 homozygotes.

Submissions (9):

ClinGen RASopathy Variant Curation Expert Panel
Classification: Benign for Noonan syndrome and Noonan-related syndrome. Last evaluated: 2017-04-18. Review status: reviewed by expert panel. Criteria: ClinGen RASopathy ACMG Specifications v1. Collection method: curation. Allele origin: germline. Inheritance: Autosomal dominant inheritance.
Comment: The filtering allele frequency of the c.1141G>A (p.Asp381Asn) variant in the RAF1 gene is 0.162% (36/16508) of South Asian chromosomes by the Exome Aggregation Consortium, which is a high enough frequency to be classified as benign based on thresholds defined by the ClinGen RASopathy Expert Panel (BA1; PMID:29493581)

CeGaT Center for Human Genetics Tuebingen
Classification: Benign. Last evaluated: 2026-07-01. Review status: criteria provided, single submitter. Criteria: CeGaT Center For Human Genetics Tuebingen Variant Classification Criteria Version 2. Collection method: clinical testing. Allele origin: germline. Affected: yes. Observed: 2 variant alleles. Not counted in ClinVar's aggregate classification.
Comment: RAF1: PP2, BS1, BS2

Labcorp Genetics (formerly Invitae), Labcorp
Classification: Likely benign for RASopathy. Last evaluated: 2025-12-21. Review status: criteria provided, single submitter. Criteria: Invitae Variant Classification Sherloc (09022015). Collection method: clinical testing. Allele origin: germline. Not counted in ClinVar's aggregate classification.

Blueprint Genetics
Classification: Likely benign. Last evaluated: 2024-09-17. Review status: criteria provided, single submitter. Criteria: ACMG Guidelines, 2015. Collection method: clinical testing. Allele origin: germline. Not counted in ClinVar's aggregate classification.

Ambry Genetics
Classification: Benign for Cardiovascular phenotype. Last evaluated: 2021-02-15. Review status: criteria provided, single submitter. Criteria: Ambry Variant Classification Scheme 2023. Collection method: clinical testing. Allele origin: germline. Not counted in ClinVar's aggregate classification.

Genome Diagnostics Laboratory, The Hospital for Sick Children
Classification: Benign for Noonan syndrome and Noonan-related syndrome. Last evaluated: 2020-12-11. Review status: criteria provided, single submitter. Criteria: ACMG Guidelines, 2015. Collection method: clinical testing. Allele origin: germline. Not counted in ClinVar's aggregate classification.

Women's Health and Genetics/Laboratory Corporation of America, LabCorp
Classification: Benign. Last evaluated: 2019-07-15. Review status: criteria provided, single submitter. Criteria: LabCorp Variant Classification Summary - May 2015. Collection method: clinical testing. Allele origin: germline. Not counted in ClinVar's aggregate classification.
Comment: Variant summary: RAF1 c.1141G>A (p.Asp381Asn) results in a conservative amino acid change located in the Serine-threonine/tyrosine-protein kinase, catalytic domain (IPR001245) of the encoded protein sequence. Five of five in-silico tools predict a benign effect of the variant on protein function. The variant allele was found at a frequency of 0.00028 in 251374 control chromosomes, predominantly at a frequency of 0.0023 within the South Asian subpopulation in the gnomAD database. The observed variant frequency within South Asian control individuals in the gnomAD database is approximately 90 fold of the estimated maximal expected allele frequency for a pathogenic variant in RAF1 causing Noonan Syndrome and Related Conditions phenotype (2.5e-05), strongly suggesting that the variant is a benign polymorphism found primarily in populations of South Asian origin. c.1141G>A has been reported in the literature in an individual with suspected RASopathy, presenting with "congenital hypoplasia of the lung, congenital anomaly of ribs and sternum, polyhydramnios, hydrops fetalis, died on DOL 12," however, authors classified the variant as likely benign (Bhoj_2017). To our knowledge, no experimental evidence demonstrating an impact on protein function has been reported. A ClinVar submission (evaluation after 2014) from an expert panel (ClinGen) cites the variant as benign. Based on the evidence outlined above, the variant was classified as benign.

GeneDx
Classification: Benign. Last evaluated: 2017-02-07. Review status: criteria provided, single submitter. Criteria: GeneDx Variant Classification (06012015). Collection method: clinical testing. Allele origin: germline. Affected: yes. Not counted in ClinVar's aggregate classification.
Comment: This variant is considered likely benign or benign based on one or more of the following criteria: it is a conservative change, it occurs at a poorly conserved position in the protein, it is predicted to be benign by multiple in silico algorithms, and/or has population frequency not consistent with disease.

Service de Génétique Moléculaire, Hôpital Robert Debré
Classification: Uncertain significance for Noonan syndrome; Noonan syndrome with multiple lentigines. Review status: no assertion criteria provided. Collection method: clinical testing. Allele origin: unknown. Affected: yes. Not counted in ClinVar's aggregate classification.

Literature cited by the submitters: PubMed 27763634 (cited by Women's Health and Genetics/Laboratory Corporation of America, LabCorp).

NM_002880.4(RAF1):c.1141G>A (p.Asp381Asn)

Gene: RAF1 (Raf-1 proto-oncogene, serine/threonine kinase; minus strand). Cytogenetic location: 3p25.2.
Variant type: single nucleotide variant.
Coding change: c.1141G>A on transcript NM_002880.4 (MANE Select); coding-DNA position 1141, G replaced by A.
Protein change: p.Asp381Asn; replaces aspartic acid 381 with asparagine.
Molecular consequence: missense variant. On other transcripts: non-coding transcript variant (3).
Genome position (GRCh38, 1-based): chr3:12,591,760, C>T on the plus strand (G>A on the coding strand, the complement: RAF1 is on the minus strand). VCF-style: chr3-12591760-C-T. GRCh37 (hg19) VCF-style: chr3-12633259-C-T.
Other names: p.D381N:GAC>AAC; NM_002880.3(RAF1):c.1141G>A; c.1201G>A, p.Asp401Asn (NM_001354689.3); c.1141G>A, p.Asp381Asn (NM_001354690.3); c.898G>A, p.Asp300Asn (NM_001354691.3, NM_001354692.3); c.1042G>A, p.Asp348Asn (NM_001354693.3); c.958G>A, p.Asp320Asn (NM_001354694.3); c.799G>A, p.Asp267Asn (NM_001354695.3); short protein forms D381N, D401N, D320N, D300N, D267N, D348N.
Identifiers: ClinVar variation 181509 (VCV000181509.23), dbSNP rs559632360, ClinGen allele CA297118.